The following is an entry in ClinVar:

ClinVar aggregate classification (germline): Uncertain significance. Review status: criteria provided, multiple submitters, no conflicts (2 of 4 stars). 2 submissions from 2 submitters: Uncertain significance (2). Last evaluated 2024-05-15.

Conditions:
Inborn genetic diseases. Identifiers: MedGen C0950123, MeSH D030342.
Pitt-Hopkins-like syndrome 2 (PTHSL2). Identifiers: Orphanet 221150, Orphanet 600663, MedGen C3280479, MONDO:0013690, OMIM 614325.

Submissions (2):

Labcorp Genetics (formerly Invitae), Labcorp
Classification: Uncertain significance for Pitt-Hopkins-like syndrome 2. Last evaluated: 2024-05-15. Review status: criteria provided, single submitter. Criteria: Invitae Variant Classification Sherloc (09022015). Collection method: clinical testing. Allele origin: germline.
Comment: This sequence change replaces valine, which is neutral and non-polar, with isoleucine, which is neutral and non-polar, at codon 947 of the NRXN1 protein (p.Val947Ile). This variant is not present in population databases (gnomAD no frequency). This variant has not been reported in the literature in individuals affected with NRXN1-related conditions. ClinVar contains an entry for this variant (Variation ID: 2281317). An algorithm developed to predict the effect of missense changes on protein structure and function (PolyPhen-2) suggests that this variant is likely to be tolerated. In summary, the available evidence is currently insufficient to determine the role of this variant in disease. Therefore, it has been classified as a Variant of Uncertain Significance.

Ambry Genetics
Classification: Uncertain significance for Inborn genetic diseases. Last evaluated: 2022-04-06. Review status: criteria provided, single submitter. Criteria: Ambry Variant Classification Scheme 2023. Collection method: clinical testing. Allele origin: germline.

NM_001330078.2(NRXN1):c.2719G>A (p.Val907Ile)

Gene: NRXN1 (neurexin 1; minus strand). Cytogenetic location: 2p16.3.
Variant type: single nucleotide variant.
Coding change: c.2719G>A on transcript NM_001330078.2 (MANE Select); coding-DNA position 2719, G replaced by A.
Protein change: p.Val907Ile; replaces valine 907 with isoleucine.
Molecular consequence: missense variant.
Genome position (GRCh38, 1-based): chr2:50,497,493, C>T on the plus strand (G>A on the coding strand, the complement: NRXN1 is on the minus strand). VCF-style: chr2-50497493-C-T. GRCh37 (hg19) VCF-style: chr2-50724631-C-T.
Other names: c.2839G>A, p.Val947Ile (NM_001135659.3); c.2695G>A, p.Val899Ile (NM_001330077.2, NM_001330082.2); c.2653G>A, p.Val885Ile (NM_001330083.2, NM_001330084.2); c.2692G>A, p.Val898Ile (NM_001330085.2); c.2719G>A, p.Val907Ile (NM_001330086.2, NM_004801.6); c.2608G>A, p.Val870Ile (NM_001330087.2, NM_001330096.2); c.2638G>A, p.Val880Ile (NM_001330088.2); c.2716G>A, p.Val906Ile (NM_001330093.2); and 2 more; short protein forms V870I, V899I, V906I, V907I, V885I, V947I, V880I, V890I.
Identifiers: ClinVar variation 2281317 (VCV002281317.5), dbSNP rs2091702710, ClinGen allele CA346777024.